The following is an entry in ClinVar:

ClinVar aggregate classification (germline): Pathogenic (1 of 4 stars; one submission).

Conditions:
Neurofibromatosis, type 1 (NF1). Also called: VON RECKLINGHAUSEN DISEASE; NEUROFIBROMATOSIS, TYPE I, SOMATIC; Peripheral type neurofibromatosis; Neurofibromatosis, type I. Identifiers: Orphanet 636, MedGen C0027831, MONDO:0018975, OMIM 162200. Disease mechanism: loss of function.

Submission:

Labcorp Genetics (formerly Invitae), Labcorp
Classification: Pathogenic for Neurofibromatosis, type 1. Last evaluated: 2018-12-16. Review status: criteria provided, single submitter. Criteria: Invitae Variant Classification Sherloc (09022015). Collection method: clinical testing. Allele origin: germline.
Comment: For these reasons, this variant has been classified as Pathogenic. Loss-of-function variants in NF1 are known to be pathogenic (PMID: 10712197, 23913538). This variant has not been reported in the literature in individuals with NF1-related conditions. This variant is not present in population databases (ExAC no frequency). This sequence change creates a premature translational stop signal (p.Pro2674Glnfs*13) in the NF1 gene. It is expected to result in an absent or disrupted protein product.

Literature cited by the submitters: PubMed 10712197; PubMed 23913538.

NM_001042492.3(NF1):c.8084_8089delinsA (p.Pro2695fs)

Gene: NF1 (neurofibromin 1; plus strand). Cytogenetic location: 17q11.2.
Variant type: Indel.
Coding change: c.8084_8089delinsA on transcript NM_001042492.3 (MANE Select); coding-DNA positions 8084 to 8089, CACCAC replaced by A.
Protein change: p.Pro2695fs; shifts the reading frame from proline 2695.
Molecular consequence: frameshift variant.
Genome position (GRCh38, 1-based): chr17:31,358,593-31,358,598, CACCAC replaced by A. VCF-style: chr17-31358593-CACCAC-A. GRCh37 (hg19) VCF-style: chr17-29685611-CACCAC-A.
Other names: c.8021_8026delCACCACinsA, p.Pro2674Glnfs (NM_000267.4); short protein forms P2674fs, P2695fs.
Identifiers: ClinVar variation 659275 (VCV000659275.5), dbSNP rs1597868244, ClinGen allele CA915949928.
Genomic context (GRCh38, chr17:31,358,593, plus strand): 5'-CAAATTTGTTAAATCCAATCCATGGAATTGTGCAGAGTGTGGTGTACCATGAAGAATCCC[CACCAC>A]AATACCAAACATCTTACCTGCAAAGTAAATAAATGTATCTGGAGAAGGATGGTTGATGAA-3'